The following is an entry in ClinVar:

NM_001322934.2(NFKB2):c.2390G>A (p.Arg797His)

Gene: NFKB2 (nuclear factor kappa B subunit 2; plus strand). Cytogenetic location: 10q24.32.
Variant type: single nucleotide variant.
Coding change: c.2390G>A on transcript NM_001322934.2 (MANE Select); coding-DNA position 2390, G replaced by A.
Protein change: p.Arg797His; replaces arginine 797 with histidine.
Molecular consequence: missense variant.
Genome position (GRCh38, 1-based): chr10:102,401,841, G>A. VCF-style: chr10-102401841-G-A. GRCh37 (hg19) VCF-style: chr10-104161598-G-A.
Other names: c.2390G>A, p.Arg797His (NM_001077493.1, NM_001077494.3, NM_001261403.3 and 2 more transcripts); c.2264G>A, p.Arg755His (NM_001322935.1); short protein forms R755H, R797H.
Identifiers: ClinVar variation 2061525 (VCV002061525.4), dbSNP rs114461415, ClinGen allele CA5665070.

ClinVar aggregate classification (germline): Uncertain significance (1 of 4 stars; one submission).

Conditions:
Immunodeficiency, common variable, 10. Also called: IMMUNODEFICIENCY, COMMON VARIABLE, WITH CENTRAL ADRENAL INSUFFICIENCY; DEFICIT IN ANTERIOR PITUITARY FUNCTION AND VARIABLE IMMUNODEFICIENCY. Identifiers: MedGen C3809991, MONDO:0014260, OMIM 615577.

Allele frequency attached by ClinVar (database versions not stated): ExAC 0.00003; TOPMed 0.00003; gnomAD 0.00005; 1000 Genomes Project 0.00040; 1000 Genomes Project 30x 0.00047; gnomAD exomes 0.00002.

Submission:

Labcorp Genetics (formerly Invitae), Labcorp
Classification: Uncertain significance for Immunodeficiency, common variable, 10. Last evaluated: 2025-11-11. Review status: criteria provided, single submitter. Criteria: Invitae Variant Classification Sherloc (09022015). Collection method: clinical testing. Allele origin: germline.
Comment: This sequence change replaces arginine, which is basic and polar, with histidine, which is basic and polar, at codon 797 of the NFKB2 protein (p.Arg797His). This variant is present in population databases (rs114461415, gnomAD 0.01%). This variant has not been reported in the literature in individuals affected with NFKB2-related conditions. ClinVar contains an entry for this variant (Variation ID: 2061525). An algorithm developed to predict the effect of missense changes on protein structure and function (PolyPhen-2) suggests that this variant is likely to be disruptive. In summary, the available evidence is currently insufficient to determine the role of this variant in disease. Therefore, it has been classified as a Variant of Uncertain Significance.